The following is an entry in ClinVar:

ClinVar aggregate classification (germline): Likely benign. Review status: criteria provided, multiple submitters, no conflicts (2 of 4 stars). 5 submissions from 5 submitters: Likely benign (4). 1 of the submissions does not count toward it. Last evaluated 2025-09-14.

Conditions:
Polycystic kidney disease, adult type (PKD1). Also called: Polycystic Kidney Disease 1, Autosomal Dominant; Polycystic kidney disease 1; Polycystic kidney disease 1, severe; POLYCYSTIC KIDNEY DISEASE 1 WITH OR WITHOUT POLYCYSTIC LIVER DISEASE; Polycystic Kidney, Autosomal Dominant; POLYCYSTIC KIDNEY DISEASE, ADULT, TYPE I. Identifiers: MedGen C3149841, MONDO:0008263, OMIM 173900.
Polycystic kidney disease. Also called: Polycystic kidney dysplasia; Kidney, Polycystic. Identifiers: MedGen C0022680, MeSH D007690, MONDO:0020642, HP:0000113.

Allele frequency attached by ClinVar (database versions not stated): gnomAD exomes 0.00030 and 0.00069; ExAC 0.00144; ESP Exome Variant Server 0.00234; gnomAD 0.00307 and 0.00324; 1000 Genomes Project 0.00339; 1000 Genomes Project 30x 0.00359; TOPMed 0.00366.
gnomAD v4.1: 912 of 1,568,544 alleles (0.058%); highest among the groups gnomAD compares: African/African-American, 1.1%; 6 homozygotes.

Submissions (5):

Mayo Clinic Laboratories, Mayo Clinic
Classification: Likely benign. Last evaluated: 2025-09-14. Review status: criteria provided, single submitter. Criteria: ACMG Guidelines, 2015. Collection method: clinical testing. Allele origin: germline. Observed: 2 variant alleles.
Comment: BS1, BP4, BP7

Blueprint Genetics
Classification: Likely benign. Last evaluated: 2024-09-11. Review status: criteria provided, single submitter. Criteria: ACMG Guidelines, 2015. Collection method: clinical testing. Allele origin: germline.

Fulgent Genetics
Classification: Likely benign for Polycystic kidney disease, adult type. Last evaluated: 2021-08-02. Review status: criteria provided, single submitter. Criteria: ACMG Guidelines, 2015. Collection method: clinical testing. Allele origin: unknown.

PreventionGenetics, part of Exact Sciences
Classification: Likely benign. Review status: criteria provided, single submitter. Criteria: ACMG Guidelines, 2015. Collection method: clinical testing. Allele origin: germline.

Department of Pathology and Laboratory Medicine, Sinai Health System
Classification: Likely benign for Polycystic Kidney disease. Review status: no assertion criteria provided. Collection method: clinical testing. Allele origin: unknown. Affected: yes. Observed: 1 variant allele. Study: The Canadian Open Genetics Repository (COGR). Not counted in ClinVar's aggregate classification.
Comment: The PKD1 p.Arg2121Arg variant was identified in 1 of 164 proband chromosomes (frequency: 0.006) from individuals or families with ADPKD (Garcia-Gonzalez 2007). The variant was also identified in dbSNP (ID: rs138648495) as â€šÃ„ÃºWith Likely benign alleleâ€šÃ„Ã¹, ClinVar (1x, as likely benign by Prevention Genetics), ADPKD Mutation Database (as likely neutral). The variant was not identified in the LOVD 3.0 or PKD1-LOVD databases. The variant was identified in control databases in 205 of 199160 (2 homozygous) chromosomes at a frequency of 0.001029 in the following populations: African greater than 1%, in 189 of 17490 chromosomes (freq. 0.0108), other in 4 of 5062 chromosomes (freq. 0.0008), Latino in 7 of 27584 chromosomes (freq. 0.00025), increasing the likelihood that this may be a low frequency benign variant in certain populations of origin (Genome Aggregation Consortium Feb 27, 2017). In addition we cannot be certain that data from control databases is specific to PKD1 and not from one of the six PKD1 pseudogenes. The p.Arg2121Arg variant is not expected to have clinical significance because it does not result in a change of amino acid and is not located in a known consensus splice site. In addition, in silico or computational prediction software programs (SpliceSiteFinder, MaxEntScan, NNSPLICE, GeneSplicer, HumanSpliceFinder) do not predict a difference in splicing. In summary, based on the above information the clinical significance of this variant cannot be determined with certainty at this time although we would lean towards a more benign role for this variant. This variant is classified as likely benign.

NM_001009944.3(PKD1):c.6363C>T (p.Arg2121=)

Gene: PKD1 (polycystin 1, transient receptor potential channel interacting; minus strand). Cytogenetic location: 16p13.3.
Variant type: single nucleotide variant.
Coding change: c.6363C>T on transcript NM_001009944.3 (MANE Select); coding-DNA position 6363, C replaced by T.
Protein change: p.Arg2121=; no amino-acid change (arginine 2121 retained).
Molecular consequence: synonymous variant.
Genome position (GRCh38, 1-based): chr16:2,108,804, G>A on the plus strand (C>T on the coding strand, the complement: PKD1 is on the minus strand). VCF-style: chr16-2108804-G-A. GRCh37 (hg19) VCF-style: chr16-2158805-G-A.
Other names: p.Arg2121=; c.6363C>T, p.Arg2121= (NM_000296.4).
Identifiers: ClinVar variation 256988 (VCV000256988.6), dbSNP rs138648495, ClinGen allele CA7831625.